The following is an entry in ClinVar:

NM_000535.7(PMS2):c.2001_2002del (p.Glu667fs)

Gene: PMS2 (PMS1 homolog 2, mismatch repair system component; minus strand). Cytogenetic location: 7p22.1.
Variant type: Microsatellite.
Coding change: c.2001_2002del on transcript NM_000535.7 (MANE Select); coding-DNA positions 2001 to 2002, 2 bases deleted (GA; older notation c.2001_2002delGA).
Protein change: p.Glu667fs; shifts the reading frame from glutamic acid 667.
Molecular consequence: frameshift variant. On other transcripts: non-coding transcript variant (1).
Genome position (GRCh38, 1-based): chr7:5,986,763-5,986,764, TC deleted on the plus strand (GA on the coding strand, the reverse complement: PMS2 is on the minus strand); deleting any 2 consecutive bases within chr7:5,986,763-5,986,767 gives the same sequence; the c. name uses the placement nearest the transcript's 3' end. VCF-style (leftmost placement, unchanged base first): chr7-5986762-ATC-A. GRCh37 (hg19) VCF-style: chr7-6026393-ATC-A.
Other names: c.1596_1597del, p.Glu532fs (NM_001322003.2, NM_001322004.2, NM_001322005.2 and 1 more transcripts); c.1845_1846del, p.Glu615fs (NM_001322006.2); c.1683_1684del, p.Glu561fs (NM_001322007.2, NM_001322008.2); c.1440_1441del, p.Glu480fs (NM_001322010.2); c.1068_1069del, p.Glu356fs (NM_001322011.2, NM_001322012.2); c.1428_1429del, p.Glu476fs (NM_001322013.2); c.2001_2002del, p.Glu667fs (NM_001322014.2); c.1692_1693del, p.Glu564fs (NM_001322015.2); short protein forms E532fs, E564fs, E667fs, E561fs, E615fs, E356fs, E476fs, E480fs.
Identifiers: ClinVar variation 486927 (VCV000486927.14), dbSNP rs1554297058, ClinGen allele CA658655967.

ClinVar aggregate classification (germline): Pathogenic. Review status: criteria provided, multiple submitters, no conflicts (2 of 4 stars). 3 submissions from 3 submitters: Pathogenic (3). Last evaluated 2024-09-17.

Conditions:
Hereditary nonpolyposis colorectal neoplasms. Identifiers: MedGen C0009405, MeSH D003123.
Hereditary cancer-predisposing syndrome. Also called: Tumor predisposition; Hereditary Cancer Syndrome; Hereditary neoplastic syndrome; Neoplastic Syndromes, Hereditary. Identifiers: Orphanet 140162, MedGen C0027672, MeSH D009386, MONDO:0015356.
Lynch syndrome 4 (LYNCH4). Also called: Colorectal cancer, hereditary nonpolyposis, type 4; Hereditary non-polyposis colorectal cancer, type 4. Identifiers: Orphanet 144, MedGen C1838333, MONDO:0013699, OMIM 614337. Disease mechanism: loss of function.

Submissions (3):

Ambry Genetics
Classification: Pathogenic for Hereditary cancer-predisposing syndrome. Last evaluated: 2024-09-17. Review status: criteria provided, single submitter. Criteria: Ambry Variant Classification Scheme 2023. Collection method: clinical testing. Allele origin: germline.
Comment: The c.2001_2002delGA pathogenic mutation, located in coding exon 11 of the PMS2 gene, results from a deletion of two nucleotides at nucleotide positions 2001 to 2002, causing a translational frameshift with a predicted alternate stop codon (p.E667Dfs*3). This variant is considered to be rare based on population cohorts in the Genome Aggregation Database (gnomAD). This alteration is expected to result in loss of function by premature protein truncation or nonsense-mediated mRNA decay. As such, this alteration is interpreted as a disease-causing mutation.

Myriad Genetics, Inc.
Classification: Pathogenic for Lynch syndrome 4. Last evaluated: 2023-09-21. Review status: criteria provided, single submitter. Criteria: Myriad Autosomal Dominant, Autosomal Recessive and X-Linked Classification Criteria (2023). Collection method: clinical testing. Allele origin: unknown.
Comment: This variant is considered pathogenic. This variant creates a frameshift predicted to result in premature protein truncation.

Labcorp Genetics (formerly Invitae), Labcorp
Classification: Pathogenic for Hereditary nonpolyposis colorectal neoplasms. Last evaluated: 2022-02-24. Review status: criteria provided, single submitter. Criteria: Invitae Variant Classification Sherloc (09022015). Collection method: clinical testing. Allele origin: germline.
Comment: This sequence change creates a premature translational stop signal (p.Glu667Aspfs*3) in the PMS2 gene. It is expected to result in an absent or disrupted protein product. Loss-of-function variants in PMS2 are known to be pathogenic (PMID: 21376568, 24362816). This variant is not present in population databases (gnomAD no frequency). This variant has not been reported in the literature in individuals affected with PMS2-related conditions. ClinVar contains an entry for this variant (Variation ID: 486927). For these reasons, this variant has been classified as Pathogenic.

Literature cited by the submitters: PubMed 21376568 (cited by Labcorp Genetics (formerly Invitae), Labcorp); PubMed 24362816 (cited by Labcorp Genetics (formerly Invitae), Labcorp).